The following is an entry in ClinVar:

NM_004211.5(SLC6A5):c.1253C>G (p.Ser418Ter)

Gene: SLC6A5 (solute carrier family 6 member 5; plus strand). Cytogenetic location: 11p15.1.
Variant type: single nucleotide variant.
Coding change: c.1253C>G on transcript NM_004211.5 (MANE Select); coding-DNA position 1253, C replaced by G.
Protein change: p.Ser418Ter; replaces serine 418 with a stop codon.
Molecular consequence: nonsense.
Genome position (GRCh38, 1-based): chr11:20,617,877, C>G. VCF-style: chr11-20617877-C-G. GRCh37 (hg19) VCF-style: chr11-20639423-C-G.
Other names: c.551C>G, p.Ser184Ter (NM_001318369.2); short protein forms S418*, S184*.
Identifiers: ClinVar variation 4998875 (VCV004998875.1).

ClinVar aggregate classification (germline): Likely pathogenic (1 of 4 stars; one submission).

Conditions:
SLC6A5-related disorder. Also called: SLC6A5-related condition.

Submission:

PreventionGenetics, part of Exact Sciences
Classification: Likely pathogenic for SLC6A5-related condition. Last evaluated: 2025-06-03. Review status: criteria provided, single submitter. Criteria: ACMG Guidelines, 2015. Collection method: clinical testing. Allele origin: germline.
Comment: The SLC6A5 c.1253C>G variant is predicted to result in premature protein termination (p.Ser418*). To our knowledge, this variant has not been reported in the literature or in a large population database (gnomAD), indicating this variant is rare. Nonsense variants in SLC6A5 are expected to be pathogenic. This variant is interpreted as likely pathogenic.